The following is an entry in ClinVar:

NM_000455.5(STK11):c.598-13G>T

Gene: STK11 (serine/threonine kinase 11; plus strand). Cytogenetic location: 19p13.3.
Variant type: single nucleotide variant.
Coding change: c.598-13G>T on transcript NM_000455.5 (MANE Select); 13 bases into the intron before coding-DNA position 598, G replaced by T.
Molecular consequence: intron variant.
Genome position (GRCh38, 1-based): chr19:1,220,568, G>T. VCF-style: chr19-1220568-G-T. GRCh37 (hg19) VCF-style: chr19-1220567-G-T.
Other names: c.598-13G>T (NM_001407255.1).
Identifiers: ClinVar variation 3904238 (VCV003904238.1).
Genomic context (GRCh38, chr19:1,220,568, plus strand): 5'-AGGCACGTGCTAGGGGGGGCCCTGGGGCGCCCCCTCCCGGGCACTCCCTGAGGGCTGCAC[G>T]GCACCGCCACAGGCACTGCACCCGTTCGCGGCGGACGACACCTGCCGGACCAGCCAGGGC-3'

ClinVar aggregate classification (germline): Likely benign (1 of 4 stars; one submission).

Conditions:
Peutz-Jeghers syndrome (PJS). Also called: POLYPOSIS, HAMARTOMATOUS INTESTINAL; POLYPS-AND-SPOTS SYNDROME; Peutz-Jeghers polyposis; Periorificial lentiginosis syndrome. Identifiers: Orphanet 2869, MedGen C0031269, MeSH D010580, MONDO:0008280, OMIM 175200.

Submission:

Myriad Genetics, Inc.
Classification: Likely benign for Peutz-Jeghers syndrome. Last evaluated: 2025-03-26. Review status: criteria provided, single submitter. Criteria: Myriad Autosomal Dominant, Autosomal Recessive and X-Linked Classification Criteria (2023). Collection method: clinical testing. Allele origin: unknown.
Comment: This variant is considered likely benign. This variant is intronic and is not expected to impact mRNA splicing.